The following is an entry in ClinVar:

ClinVar aggregate classification (germline): Uncertain significance (1 of 4 stars; one submission).

Conditions:
Hereditary nonpolyposis colorectal neoplasms. Identifiers: MedGen C0009405, MeSH D003123.

Submission:

Labcorp Genetics (formerly Invitae), Labcorp
Classification: Uncertain significance for Hereditary nonpolyposis colorectal neoplasms. Last evaluated: 2025-02-24. Review status: criteria provided, single submitter. Criteria: Invitae Variant Classification Sherloc (09022015). Collection method: clinical testing. Allele origin: germline.
Comment: This sequence change replaces leucine, which is neutral and non-polar, with arginine, which is basic and polar, at codon 743 of the PMS2 protein (p.Leu743Arg). The frequency data for this variant in the population databases (gnomAD) is considered unreliable due to the presence of homologous sequence, such as pseudogenes or paralogs, in the genome. This variant has not been reported in the literature in individuals affected with PMS2-related conditions. ClinVar contains an entry for this variant (Variation ID: 1354448). Invitae Evidence Modeling incorporating data from in vitro experimental studies (internal data) indicates that this missense variant is not expected to disrupt PMS2 function with a negative predictive value of 95%. In summary, the available evidence is currently insufficient to determine the role of this variant in disease. Therefore, it has been classified as a Variant of Uncertain Significance.

NM_000535.7(PMS2):c.2228T>G (p.Leu743Arg)

Gene: PMS2 (PMS1 homolog 2, mismatch repair system component; minus strand). Cytogenetic location: 7p22.1.
Variant type: single nucleotide variant.
Coding change: c.2228T>G on transcript NM_000535.7 (MANE Select); coding-DNA position 2228, T replaced by G.
Protein change: p.Leu743Arg; replaces leucine 743 with arginine.
Molecular consequence: missense variant. On other transcripts: non-coding transcript variant (1).
Genome position (GRCh38, 1-based): chr7:5,978,643, A>C on the plus strand (T>G on the coding strand, the complement: PMS2 is on the minus strand). VCF-style: chr7-5978643-A-C. GRCh37 (hg19) VCF-style: chr7-6018274-A-C.
Other names: c.1823T>G, p.Leu608Arg (NM_001322003.2, NM_001322004.2, NM_001322005.2 and 1 more transcripts); c.2072T>G, p.Leu691Arg (NM_001322006.2); c.1910T>G, p.Leu637Arg (NM_001322007.2, NM_001322008.2); c.1667T>G, p.Leu556Arg (NM_001322010.2); c.1295T>G, p.Leu432Arg (NM_001322011.2, NM_001322012.2); c.1655T>G, p.Leu552Arg (NM_001322013.2); c.2228T>G, p.Leu743Arg (NM_001322014.2); c.1919T>G, p.Leu640Arg (NM_001322015.2); short protein forms L556R, L640R, L743R, L637R, L691R, L552R, L432R, L608R.
Identifiers: ClinVar variation 1354448 (VCV001354448.8), dbSNP rs1583285757, ClinGen allele CA366736698.